The following is an entry in ClinVar:

ClinVar aggregate classification (germline): Benign/Likely benign. Review status: criteria provided, multiple submitters, no conflicts (2 of 4 stars). 3 submissions from 3 submitters: Benign (1); Likely benign (1). 1 of the submissions does not count toward it. Last evaluated 2026-01-09.

Conditions:
CDCA7-related disorder. Also called: CDCA7-related condition.

Allele frequency attached by ClinVar (database versions not stated): TOPMed 0.00008; gnomAD 0.00009 and 0.00012; gnomAD exomes 0.00010 and 0.00027; 1000 Genomes Project 30x 0.00031; ExAC 0.00032; 1000 Genomes Project 0.00040.
gnomAD v4.1: 164 of 1,606,888 alleles (0.01%); highest among the groups gnomAD compares: East Asian, 0.34%; no homozygotes.

Submissions (3):

Labcorp Genetics (formerly Invitae), Labcorp
Classification: Benign. Last evaluated: 2026-01-09. Review status: criteria provided, single submitter. Criteria: Invitae Variant Classification Sherloc (09022015). Collection method: clinical testing. Allele origin: germline.

Blueprint Genetics
Classification: Likely benign. Last evaluated: 2024-08-23. Review status: criteria provided, single submitter. Criteria: ACMG Guidelines, 2015. Collection method: clinical testing. Allele origin: germline.

PreventionGenetics, part of Exact Sciences
Classification: Likely benign for CDCA7-related condition. Last evaluated: 2019-09-13. Review status: no assertion criteria provided. Collection method: clinical testing. Allele origin: germline. Not counted in ClinVar's aggregate classification.
Comment: This variant is classified as likely benign based on ACMG/AMP sequence variant interpretation guidelines (Richards et al. 2015 PMID: 25741868, with internal and published modifications).

NM_031942.5(CDCA7):c.895-5T>C

Gene: CDCA7 (cell division cycle associated 7; plus strand). Cytogenetic location: 2q31.1.
Variant type: single nucleotide variant.
Coding change: c.895-5T>C on transcript NM_031942.5 (MANE Select); 5 bases into the intron before coding-DNA position 895, T replaced by C.
Molecular consequence: intron variant.
Genome position (GRCh38, 1-based): chr2:173,365,447, T>C. VCF-style: chr2-173365447-T-C. GRCh37 (hg19) VCF-style: chr2-174230175-T-C.
Other names: c.658-5T>C (NM_145810.3); c.895-5T>C (NM_031942.4).
Identifiers: ClinVar variation 1630388 (VCV001630388.11), dbSNP rs2288992, ClinGen allele CA1971384.